The following is an entry in ClinVar:

NM_001369.3(DNAH5):c.5413_5414insA (p.Arg1805fs)

Gene: DNAH5 (dynein axonemal heavy chain 5; minus strand). Cytogenetic location: 5p15.2.
Variant type: Insertion.
Coding change: c.5413_5414insA on transcript NM_001369.3 (MANE Select); coding-DNA positions 5413 to 5414, A inserted.
Protein change: p.Arg1805fs; shifts the reading frame from arginine 1805.
Molecular consequence: frameshift variant.
Genome position: GRCh38 VCF-style: chr5-13841762-C-CT. GRCh37 (hg19) VCF-style: chr5-13841871-C-CT.
Other names: short protein forms R1805fs.
Identifiers: ClinVar variation 5010410 (VCV005010410.1).

ClinVar aggregate classification (germline): Pathogenic (1 of 4 stars; one submission).

Conditions:
Primary ciliary dyskinesia 3. Identifiers: Orphanet 244, MedGen C1837618, MONDO:0012085, OMIM 608644.

Submission:

Myriad Genetics, Inc.
Classification: Pathogenic for Primary ciliary dyskinesia 3. Last evaluated: 2024-05-14. Review status: criteria provided, single submitter. Criteria: Myriad Autosomal Dominant, Autosomal Recessive and X-Linked Classification Criteria (2023). Collection method: clinical testing. Allele origin: unknown.
Comment: NM_001369.2(DNAH5):c.5413_5414insA(R1805Qfs*16) is expected to be pathogenic in the context of primary ciliary dyskinesia, DNAH5-related. This variant is predicted to lead to an abnormal or absent protein product due to the creation of a premature termination codon in DNAH5, a gene where loss-of-function variants are known to be pathogenic. Please note: this variant was assessed in the context of healthy population screening.